The following is an entry in ClinVar:

ClinVar aggregate classification (germline): Uncertain significance (1 of 4 stars; one submission).

Conditions:
Myofibrillar myopathy 6. Identifiers: Orphanet 199340, MedGen C2751831, MONDO:0013061, OMIM 612954.
Dilated cardiomyopathy 1HH (CMD1HH). Identifiers: Orphanet 154, MedGen C3151293, MONDO:0013479, OMIM 613881.

Submission:

Labcorp Genetics (formerly Invitae), Labcorp
Classification: Uncertain significance for Dilated cardiomyopathy 1HH; Myofibrillar myopathy 6. Last evaluated: 2024-01-24. Review status: criteria provided, single submitter. Criteria: Invitae Variant Classification Sherloc (09022015). Collection method: clinical testing. Allele origin: germline.
Comment: This sequence change replaces cysteine, which is neutral and slightly polar, with serine, which is neutral and polar, at codon 179 of the BAG3 protein (p.Cys179Ser). This variant is not present in population databases (gnomAD no frequency). This variant has not been reported in the literature in individuals affected with BAG3-related conditions. Algorithms developed to predict the effect of missense changes on protein structure and function output the following: SIFT: "Not Available"; PolyPhen-2: "Possibly Damaging"; Align-GVGD: "Not Available". The serine amino acid residue is found in multiple mammalian species, which suggests that this missense change does not adversely affect protein function. In summary, the available evidence is currently insufficient to determine the role of this variant in disease. Therefore, it has been classified as a Variant of Uncertain Significance.

NM_004281.4(BAG3):c.535T>A (p.Cys179Ser)

Gene: BAG3 (BAG cochaperone 3; plus strand). Cytogenetic location: 10q26.11.
Variant type: single nucleotide variant.
Coding change: c.535T>A on transcript NM_004281.4 (MANE Select); coding-DNA position 535, T replaced by A.
Protein change: p.Cys179Ser; replaces cysteine 179 with serine.
Molecular consequence: missense variant.
Genome position (GRCh38, 1-based): chr10:119,672,282, T>A. VCF-style: chr10-119672282-T-A. GRCh37 (hg19) VCF-style: chr10-121431794-T-A.
Other names: short protein forms C179S.
Identifiers: ClinVar variation 2922418 (VCV002922418.3), dbSNP rs2494013409, ClinGen allele CA378295289.